The following is an entry in ClinVar:

NM_000426.4(LAMA2):c.4981G>A (p.Gly1661Ser)

Gene: LAMA2 (laminin subunit alpha 2; plus strand). Cytogenetic location: 6q22.33.
Variant type: single nucleotide variant.
Coding change: c.4981G>A on transcript NM_000426.4 (MANE Select); coding-DNA position 4981, G replaced by A.
Protein change: p.Gly1661Ser; replaces glycine 1661 with serine.
Molecular consequence: missense variant.
Genome position (GRCh38, 1-based): chr6:129,383,143, G>A. VCF-style: chr6-129383143-G-A. GRCh37 (hg19) VCF-style: chr6-129704288-G-A.
Other names: c.4981G>A, p.Gly1661Ser (NM_001079823.2); short protein forms G1661S.
Identifiers: ClinVar variation 1936571 (VCV001936571.3), dbSNP rs2482690441, ClinGen allele CA365628532.

ClinVar aggregate classification (germline): Uncertain significance (1 of 4 stars; one submission).

Conditions:
LAMA2-related muscular dystrophy (LAMA2-RD). Also called: Laminin alpha 2-related dystrophy. Identifiers: MedGen C5679788, MONDO:0100228.

Allele frequency attached by ClinVar (database versions not stated): gnomAD exomes below 0.00001.
gnomAD v4.1: 1 of 1,613,812 alleles (0.000062%); highest among the groups gnomAD compares: Non-Finnish European, 0.000085%; no homozygotes.

Submission:

Labcorp Genetics (formerly Invitae), Labcorp
Classification: Uncertain significance for LAMA2-related muscular dystrophy. Last evaluated: 2026-01-19. Review status: criteria provided, single submitter. Criteria: Invitae Variant Classification Sherloc (09022015). Collection method: clinical testing. Allele origin: germline.
Comment: This sequence change replaces glycine, which is neutral and non-polar, with serine, which is neutral and polar, at codon 1661 of the LAMA2 protein (p.Gly1661Ser). This variant is not present in population databases (gnomAD no frequency). This variant has not been reported in the literature in individuals affected with LAMA2-related conditions. ClinVar contains an entry for this variant (Variation ID: 1936571). Invitae Evidence Modeling of protein sequence and biophysical properties (such as structural, functional, and spatial information, amino acid conservation, physicochemical variation, residue mobility, and thermodynamic stability) indicates that this missense variant is not expected to disrupt LAMA2 protein function with a negative predictive value of 95%. In summary, the available evidence is currently insufficient to determine the role of this variant in disease. Therefore, it has been classified as a Variant of Uncertain Significance.